The following is an entry in ClinVar:

NM_130839.5(UBE3A):c.1147G>A (p.Gly383Arg)

Genes: SNHG14 (small nucleolar RNA host gene 14; plus strand), UBE3A (ubiquitin protein ligase E3A; minus strand). Cytogenetic location: 15q11.2.
Variant type: single nucleotide variant.
Coding change: c.1147G>A on transcript NM_130839.5 (MANE Select); coding-DNA position 1147, G replaced by A.
Protein change: p.Gly383Arg; replaces glycine 383 with arginine.
Molecular consequence: missense variant. On other transcripts: non-coding transcript variant (1), intron variant (2).
Genome position (GRCh38, 1-based): chr15:25,371,027, C>T on the plus strand (G>A on the coding strand, the complement: UBE3A is on the minus strand). VCF-style: chr15-25371027-C-T. GRCh37 (hg19) VCF-style: chr15-25616174-C-T.
Other names: c.1156G>A, p.Gly386Arg (NM_000462.5); c.1147G>A, p.Gly383Arg (NM_001354505.1, NM_001354538.2, NM_001354545.2); c.1087G>A, p.Gly363Arg (NM_001354506.2, NM_001354507.2, NM_001354508.2 and 17 more transcripts); c.970G>A, p.Gly324Arg (NM_001354546.2); c.301+4438G>A (NM_001354551.2); c.361+4438G>A (NM_001354550.2); c.1087G>A (NM_130838.1); short protein forms G324R, G363R, G383R, G386R.
Identifiers: ClinVar variation 1397393 (VCV001397393.7), dbSNP rs764318379, ClinGen allele CA391354251.
Genomic context (GRCh38, chr15:25,371,027, plus strand): 5'-CGCTGGACTCAGGGATGGGCTCTTCATCATCTTCTTCATTGTGATTTGTGTCCACTTCCC[C>T]TCCCACTACATTTGCATAGTAAACCATTTTCAAGCACTTCGAAGCAGCAACAATGGCATC-3'
Protein context (NP_570854.1, residues 373-393): KMVYYANVVG[Gly383Arg]EVDTNHNEED

ClinVar aggregate classification (germline): Uncertain significance. Review status: criteria provided, multiple submitters, no conflicts (2 of 4 stars). 2 submissions from 2 submitters: Uncertain significance (2). Last evaluated 2026-04-09.

Conditions:
Angelman syndrome (AS). Also called: HAPPY PUPPET SYNDROME. Identifiers: Orphanet 72, MedGen C0162635, MONDO:0007113, OMIM 105830. Disease mechanism: loss of function. Inheritance: AS is caused by disruption of maternally imprinted UBE3A located within the 15q11.2-q13 Angelman syndrome/Prader-Willi syndrome (AS/PWS) region., imprinting disorder.

Submissions (2):

GeneDx
Classification: Uncertain significance. Last evaluated: 2026-04-09. Review status: criteria provided, single submitter. Criteria: GeneDx Variant Classification Process June 2021. Collection method: clinical testing. Allele origin: germline.
Comment: Not observed at significant frequency in large population cohorts (gnomAD); In silico analysis supports that this missense variant has a deleterious effect on protein structure/function; Has not been previously published as pathogenic or benign to our knowledge

Labcorp Genetics (formerly Invitae), Labcorp
Classification: Uncertain significance for Angelman syndrome. Last evaluated: 2021-05-27. Review status: criteria provided, single submitter. Criteria: Invitae Variant Classification Sherloc (09022015). Collection method: clinical testing. Allele origin: germline.
Comment: This sequence change replaces glycine with arginine at codon 363 of the UBE3A protein (p.Gly363Arg). The glycine residue is highly conserved and there is a moderate physicochemical difference between glycine and arginine. This variant is not present in population databases (ExAC no frequency). This variant has been observed in individual(s) with clinical features of UBE3A-related conditions (Invitae). Algorithms developed to predict the effect of missense changes on protein structure and function are either unavailable or do not agree on the potential impact of this missense change (SIFT: "Not Available"; PolyPhen-2: "Probably Damaging"; Align-GVGD: "Not Available"). In summary, the available evidence is currently insufficient to determine the role of this variant in disease. Therefore, it has been classified as a Variant of Uncertain Significance.